The following is an entry in ClinVar:

NM_017780.4(CHD7):c.6045_6046del (p.Phe2015fs)

Gene: CHD7 (chromodomain helicase DNA binding protein 7; plus strand). Cytogenetic location: 8q12.2.
Variant type: Deletion.
Coding change: c.6045_6046del on transcript NM_017780.4 (MANE Select); coding-DNA positions 6045 to 6046, 2 bases deleted (CA; older notation c.6045_6046delCA).
Protein change: p.Phe2015fs; shifts the reading frame from phenylalanine 2015.
Molecular consequence: frameshift variant. On other transcripts: intron variant (1).
Genome position (GRCh38, 1-based): chr8:60,852,648-60,852,649, CA deleted. VCF-style (leftmost placement, unchanged base first): chr8-60852647-TCA-T. GRCh37 (hg19) VCF-style: chr8-61765206-TCA-T.
Other names: c.1717-9581_1717-9580del (NM_001316690.1); c.6045_6046delCA (NM_017780.4); short protein forms F2015fs.
Identifiers: ClinVar variation 1710336 (VCV001710336.1), dbSNP rs2488036663, ClinGen allele CA2580078849.

ClinVar aggregate classification (germline): Pathogenic (1 of 4 stars; one submission).

Conditions:
Iris coloboma. Also called: Coloboma of iris. Identifiers: Orphanet 98944, MedGen C0240063, MONDO:0020356, HP:0000612.

Submission:

Genetics Department, University Hospital of Toulouse
Classification: Pathogenic for Iris coloboma. Last evaluated: 2022-10-15. Review status: criteria provided, single submitter. Criteria: ACMG Guidelines, 2015. Collection method: clinical testing. Allele origin: germline. Affected: yes.
Comment: P (PSVS1, PS2, PM2)